The following is an entry in ClinVar:

ClinVar aggregate classification (germline): Uncertain significance (1 of 4 stars; one submission).

Conditions:
DICER1-related tumor predisposition. Also called: DICER1 syndrome; DICER1-related pleuropulmonary blastoma cancer predisposition syndrome. Identifiers: Orphanet 284343, MedGen C3839822, MONDO:0100216.

Submission:

Labcorp Genetics (formerly Invitae), Labcorp
Classification: Uncertain significance for DICER1-related tumor predisposition. Last evaluated: 2022-11-03. Review status: criteria provided, single submitter. Criteria: Invitae Variant Classification Sherloc (09022015). Collection method: clinical testing. Allele origin: germline.
Comment: In summary, the available evidence is currently insufficient to determine the role of this variant in disease. Therefore, it has been classified as a Variant of Uncertain Significance. Advanced modeling of protein sequence and biophysical properties (such as structural, functional, and spatial information, amino acid conservation, physicochemical variation, residue mobility, and thermodynamic stability) performed at Invitae indicates that this missense variant is expected to disrupt DICER1 protein function. This variant has not been reported in the literature in individuals affected with DICER1-related conditions. This variant is not present in population databases (gnomAD no frequency). This sequence change replaces arginine, which is basic and polar, with glycine, which is neutral and non-polar, at codon 739 of the DICER1 protein (p.Arg739Gly).

NM_177438.3(DICER1):c.2215A>G (p.Arg739Gly)

Gene: DICER1 (dicer 1, ribonuclease III; minus strand). Cytogenetic location: 14q32.13.
Variant type: single nucleotide variant.
Coding change: c.2215A>G on transcript NM_177438.3 (MANE Select); coding-DNA position 2215, A replaced by G.
Protein change: p.Arg739Gly; replaces arginine 739 with glycine.
Molecular consequence: missense variant. On other transcripts: non-coding transcript variant (6).
Genome position (GRCh38, 1-based): chr14:95,111,358, T>C on the plus strand (A>G on the coding strand, the complement: DICER1 is on the minus strand). VCF-style: chr14-95111358-T-C. GRCh37 (hg19) VCF-style: chr14-95577695-T-C.
Other names: c.2215A>G, p.Arg739Gly (NM_001195573.1, NM_001271282.3, NM_001291628.2 and 13 more transcripts); c.1933A>G, p.Arg645Gly (NM_001395686.1); c.1810A>G, p.Arg604Gly (NM_001395687.1, NM_001395688.1, NM_001395689.1 and 3 more transcripts); c.1648A>G, p.Arg550Gly (NM_001395691.1); c.532A>G, p.Arg178Gly (NM_001395697.1); short protein forms R550G, R604G, R645G, R739G, R178G.
Identifiers: ClinVar variation 2811876 (VCV002811876.3), dbSNP rs2542911591, ClinGen allele CA390882582.